The following is an entry in ClinVar:

NM_000038.6(APC):c.3025C>T (p.His1009Tyr)

Gene: APC (APC regulator of Wnt signaling pathway; plus strand). Cytogenetic location: 5q22.2.
Variant type: single nucleotide variant.
Coding change: c.3025C>T on transcript NM_000038.6 (MANE Select); coding-DNA position 3025, C replaced by T.
Protein change: p.His1009Tyr; replaces histidine 1009 with tyrosine.
Molecular consequence: missense variant.
Genome position (GRCh38, 1-based): chr5:112,838,619, C>T. VCF-style: chr5-112838619-C-T. GRCh37 (hg19) VCF-style: chr5-112174316-C-T.
Other names: c.3025C>T, p.His1009Tyr (NM_001127510.3, NM_001354895.2); c.2971C>T, p.His991Tyr (NM_001127511.3); c.3079C>T, p.His1027Tyr (NM_001354896.2); c.3055C>T, p.His1019Tyr (NM_001354897.2); c.2950C>T, p.His984Tyr (NM_001354898.2); c.2941C>T, p.His981Tyr (NM_001354899.2); c.2902C>T, p.His968Tyr (NM_001354900.2); c.2848C>T, p.His950Tyr (NM_001354901.2); and 5 more; short protein forms H1009Y, H991Y, H1027Y, H849Y, H883Y, H918Y, H981Y, H984Y.
Identifiers: ClinVar variation 219621 (VCV000219621.57), dbSNP rs750459690, ClinGen allele CA034297.

ClinVar aggregate classification (germline): Uncertain significance. Review status: criteria provided, multiple submitters, no conflicts (2 of 4 stars). 4 submissions from 4 submitters: Uncertain significance (4). Last evaluated 2025-10-22.

Conditions:
Classic or attenuated familial adenomatous polyposis. Identifiers: MedGen CN372698, MONDO:0021057.
Hereditary cancer-predisposing syndrome. Also called: Hereditary neoplastic syndrome; Tumor predisposition; Hereditary Cancer Syndrome; Neoplastic Syndromes, Hereditary. Identifiers: Orphanet 140162, MedGen C0027672, MeSH D009386, MONDO:0015356.
Familial adenomatous polyposis 1 (FAP1). Also called: FAMILIAL ADENOMATOUS POLYPOSIS 1, ATTENUATED; POLYPOSIS, ADENOMATOUS INTESTINAL. Identifiers: MedGen C2713442, MONDO:0021056, OMIM 175100. Disease mechanism: loss of function.

Allele frequency attached by ClinVar (database versions not stated): gnomAD 0.00001; gnomAD exomes 0.00001; ExAC 0.00002.
gnomAD v4.1: 7 of 1,613,978 alleles (0.00043%); highest among the groups gnomAD compares: Non-Finnish European, 0.00025%; no homozygotes.

Submissions (4):

Ambry Genetics
Classification: Uncertain significance for Hereditary cancer-predisposing syndrome. Last evaluated: 2025-10-22. Review status: criteria provided, single submitter. Criteria: Ambry Variant Classification Scheme 2023. Collection method: clinical testing. Allele origin: germline.
Comment: The p.H1009Y variant (also known as c.3025C>T), located in coding exon 15 of the APC gene, results from a C to T substitution at nucleotide position 3025. The histidine at codon 1009 is replaced by tyrosine, an amino acid with similar properties. This amino acid position is well conserved in available vertebrate species. In addition, in silico predictors for this gene do not accurately predict pathogenicity. Since supporting evidence is limited at this time, the clinical significance of this alteration remains unclear.

Labcorp Genetics (formerly Invitae), Labcorp
Classification: Uncertain significance for Familial adenomatous polyposis 1. Last evaluated: 2025-08-15. Review status: criteria provided, single submitter. Criteria: Invitae Variant Classification Sherloc (09022015). Collection method: clinical testing. Allele origin: germline.
Comment: This sequence change replaces histidine, which is basic and polar, with tyrosine, which is neutral and polar, at codon 1009 of the APC protein (p.His1009Tyr). This variant is present in population databases (rs750459690, gnomAD 0.003%). This variant has not been reported in the literature in individuals affected with APC-related conditions. ClinVar contains an entry for this variant (Variation ID: 219621). Invitae Evidence Modeling of protein sequence and biophysical properties (such as structural, functional, and spatial information, amino acid conservation, physicochemical variation, residue mobility, and thermodynamic stability) indicates that this missense variant is not expected to disrupt APC protein function with a negative predictive value of 95%. In summary, the available evidence is currently insufficient to determine the role of this variant in disease. Therefore, it has been classified as a Variant of Uncertain Significance.

Color Diagnostics, LLC DBA Color Health
Classification: Uncertain significance for Hereditary cancer-predisposing syndrome. Last evaluated: 2025-04-06. Review status: criteria provided, single submitter. Criteria: ACMG Guidelines, 2015. Collection method: clinical testing. Allele origin: germline.
Comment: This missense variant replaces histidine with tyrosine at codon 1009 of the APC protein. Computational prediction is inconclusive regarding the impact of this variant on protein structure and function (internally defined REVEL score threshold 0.5 < inconclusive < 0.7, PMID: 27666373). To our knowledge, functional studies have not been reported for this variant. This variant has not been reported in individuals affected with APC-related disorders in the literature. This variant has been identified in 3/251228 chromosomes in the general population by the Genome Aggregation Database (gnomAD). The available evidence is insufficient to determine the role of this variant in disease conclusively. Therefore, this variant is classified as a Variant of Uncertain Significance.

All of Us Research Program, National Institutes of Health
Classification: Uncertain significance for Classic or attenuated familial adenomatous polyposis. Last evaluated: 2023-11-02. Review status: criteria provided, single submitter. Criteria: ACMG Guidelines, 2015. Collection method: clinical testing. Allele origin: germline. Inheritance: Autosomal dominant inheritance. Observed: 1 variant allele, 1 heterozygote.
Comment: This missense variant replaces histidine with tyrosine at codon 1009 of the APC protein. Computational prediction is inconclusive regarding the impact of this variant on protein structure and function (internally defined REVEL score threshold 0.5 < inconclusive < 0.7, PMID: 27666373). To our knowledge, functional studies have not been reported for this variant. This variant has not been reported in individuals affected with APC-related disorders in the literature. This variant has been identified in 3/251228 chromosomes in the general population by the Genome Aggregation Database (gnomAD). The available evidence is insufficient to determine the role of this variant in disease conclusively. Therefore, this variant is classified as a Variant of Uncertain Significance.

This study involves interpretation of variants in research participants for the purpose of population health screening. Participant phenotype was not available at the time of variant classification. Additional details can be found in publication PMID: 35346344, PMCID: PMC8962531